The following is an entry in ClinVar:

ClinVar aggregate classification (germline): Uncertain significance (1 of 4 stars; one submission).

Submission:

GeneDx
Classification: Uncertain significance. Last evaluated: 2026-04-18. Review status: criteria provided, single submitter. Criteria: GeneDx Variant Classification Process June 2021. Collection method: clinical testing. Allele origin: germline.
Comment: Not observed at significant frequency in large population cohorts (gnomAD); In silico analysis suggests that this missense variant does not alter protein structure/function; Has not been previously published as pathogenic or benign to our knowledge

NM_138459.5(NUS1):c.249C>G (p.His83Gln)

Gene: NUS1 (NUS1 dehydrodolichyl diphosphate synthase subunit; plus strand). Cytogenetic location: 6q22.1.
Variant type: single nucleotide variant.
Coding change: c.249C>G on transcript NM_138459.5 (MANE Select); coding-DNA position 249, C replaced by G.
Protein change: p.His83Gln; replaces histidine 83 with glutamine.
Molecular consequence: missense variant.
Genome position (GRCh38, 1-based): chr6:117,675,919, C>G. VCF-style: chr6-117675919-C-G. GRCh37 (hg19) VCF-style: chr6-117997082-C-G.
Other names: short protein forms H83Q.
Identifiers: ClinVar variation 5036986 (VCV005036986.1).